The following is an entry in ClinVar:

NM_000487.6(ARSA):c.887G>A (p.Cys296Tyr)

Gene: ARSA (arylsulfatase A; minus strand). Cytogenetic location: 22q13.33.
Variant type: single nucleotide variant.
Coding change: c.887G>A on transcript NM_000487.6 (MANE Select); coding-DNA position 887, G replaced by A.
Protein change: p.Cys296Tyr; replaces cysteine 296 with tyrosine.
Molecular consequence: missense variant.
Genome position (GRCh38, 1-based): chr22:50,626,246, C>T on the plus strand (G>A on the coding strand, the complement: ARSA is on the minus strand). VCF-style: chr22-50626246-C-T. GRCh37 (hg19) VCF-style: chr22-51064674-C-T.
Other names: c.887G>A, p.Cys296Tyr (NM_001085425.3, NM_001085426.3, NM_001085427.3); c.629G>A, p.Cys210Tyr (NM_001085428.3, NM_001362782.2); short protein forms C296Y, C210Y.
Identifiers: ClinVar variation 68156 (VCV000068156.7), dbSNP rs199476347, ClinGen allele CA219068.

ClinVar aggregate classification (germline): Pathogenic/Likely pathogenic. Review status: criteria provided, multiple submitters, no conflicts (2 of 4 stars). 4 submissions from 4 submitters: Pathogenic (2); Likely pathogenic (1). 1 of the submissions does not count toward it. Last evaluated 2026-06-04.

Conditions:
Metachromatic leukodystrophy (MLD). Also called: Cerebral sclerosis diffuse metachromatic form; Arylsulfatase A Deficiency; SULFATIDE LIPIDOSIS; ARSA DEFICIENCY; CEREBROSIDE SULFATASE DEFICIENCY; METACHROMATIC LEUKOENCEPHALOPATHY. Identifiers: Orphanet 512, MedGen C0023522, MONDO:0018868, OMIM 250100.

Allele frequency attached by ClinVar (database versions not stated): gnomAD 0.00001; TOPMed below 0.00001.
gnomAD v4.1: 2 of 1,613,442 alleles (0.00012%); highest among the groups gnomAD compares: African/African-American, 0.0027%; no homozygotes.

Submissions (4):

GeneDx
Classification: Pathogenic. Last evaluated: 2026-06-04. Review status: criteria provided, single submitter. Criteria: GeneDx Variant Classification Process June 2021. Collection method: clinical testing. Allele origin: germline.
Comment: Published functional studies demonstrate a damaging effect as C296Y had 0% enzyme activity compared to wild type, which is consistent with a loss of function mechanism (PMID: 15326627); Not observed at significant frequency in large population cohorts (gnomAD); Also known as p.C294Y; In silico analysis suggests that this missense variant does not alter protein structure/function; This variant is associated with the following publications: (PMID: 15326627)

Women's Health and Genetics/Laboratory Corporation of America, LabCorp
Classification: Likely pathogenic for Metachromatic leukodystrophy. Last evaluated: 2025-06-24. Review status: criteria provided, single submitter. Criteria: LabCorp Variant Classification Summary - May 2015. Collection method: clinical testing. Allele origin: germline.
Comment: Variant summary: ARSA c.887G>A (p.Cys296Tyr) results in a non-conservative amino acid change in the encoded protein sequence. Algorithms developed to predict the effect of missense changes on protein structure and function all suggest that this variant is likely to be disruptive. The variant was absent in 248784 control chromosomes. c.887G>A has been observed in individuals affected with Metachromatic Leukodystrophy (Berna_2004, internal data). These data indicate that the variant may be associated with disease. At least one publication reports experimental evidence evaluating an impact on protein function. The most pronounced variant effect results in <10% of normal activity (Berna_2004). The following publications have been ascertained in the context of this evaluation (PMID: 15326627). ClinVar contains an entry for this variant (Variation ID: 68156). Based on the evidence outlined above, the variant was classified as likely pathogenic.

Labcorp Genetics (formerly Invitae), Labcorp
Classification: Pathogenic for Metachromatic leukodystrophy. Last evaluated: 2024-09-06. Review status: criteria provided, single submitter. Criteria: Invitae Variant Classification Sherloc (09022015). Collection method: clinical testing. Allele origin: germline.
Comment: This sequence change replaces cysteine, which is neutral and slightly polar, with tyrosine, which is neutral and polar, at codon 296 of the ARSA protein (p.Cys296Tyr). This variant is present in population databases (rs199476347, gnomAD 0.01%). This missense change has been observed in individual(s) with metachromatic leukodystrophy (PMID: 15326627; internal data). In at least one individual the data is consistent with being in trans (on the opposite chromosome) from a pathogenic variant. This variant is also known as G1530A. ClinVar contains an entry for this variant (Variation ID: 68156). Invitae Evidence Modeling of protein sequence and biophysical properties (such as structural, functional, and spatial information, amino acid conservation, physicochemical variation, residue mobility, and thermodynamic stability) indicates that this missense variant is expected to disrupt ARSA protein function with a positive predictive value of 95%. Experimental studies have shown that this missense change affects ARSA function (PMID: 15326627). For these reasons, this variant has been classified as Pathogenic.

UniProtKB/Swiss-Prot
No classification provided. Review status: no classification provided. Collection method: not provided. Allele origin: not provided. Not counted in ClinVar's aggregate classification.

Literature cited by the submitters: PubMed 15326627 (cited by Women's Health and Genetics/Laboratory Corporation of America, LabCorp and Labcorp Genetics (formerly Invitae), Labcorp).